The following is an entry in ClinVar:

ClinVar aggregate classification (germline): Pathogenic (1 of 4 stars; one submission).

Conditions:
Familial cancer of breast. Also called: hereditary breast carcinoma; BREAST CANCER, FAMILIAL; Hereditary breast cancer. Identifiers: Orphanet 227535, MedGen C0346153, MONDO:0016419, OMIM 114480. Disease mechanism: loss of function.

Submission:

Myriad Genetics, Inc.
Classification: Pathogenic for Familial cancer of breast. Last evaluated: 2024-07-03. Review status: criteria provided, single submitter. Criteria: Myriad Autosomal Dominant, Autosomal Recessive and X-Linked Classification Criteria (2023). Collection method: clinical testing. Allele origin: unknown.
Comment: This variant is considered pathogenic. This variant creates a frameshift predicted to result in premature protein truncation.

NM_000051.4(ATM):c.6157del (p.Thr2053fs)

Genes: ATM (ATM serine/threonine kinase; plus strand), C11orf65 (chromosome 11 open reading frame 65; minus strand). Cytogenetic location: 11q22.3.
Variant type: Deletion.
Coding change: c.6157del on transcript NM_000051.4 (MANE Select); coding-DNA position 6157, one base deleted (A; older notation c.6157delA).
Protein change: p.Thr2053fs; shifts the reading frame from threonine 2053.
Molecular consequence: frameshift variant. On other transcripts: intron variant (2).
Genome position (GRCh38, 1-based): chr11:108,316,072, A deleted; the last of 3 consecutive A bases (chr11:108,316,070-108,316,072); deleting any one gives the same sequence. VCF-style (leftmost placement, unchanged base first): chr11-108316069-GA-G. GRCh37 (hg19) VCF-style: chr11-108186796-GA-G.
Other names: c.6157del, p.Thr2053fs (NM_001351834.2); c.641-6999del (NM_001330368.2); c.*39-6999del (NM_001351110.2); short protein forms T2053fs.
Identifiers: ClinVar variation 3379235 (VCV003379235.1).